The following is an entry in ClinVar:

ClinVar aggregate classification (germline): Benign. Review status: criteria provided, multiple submitters, no conflicts (2 of 4 stars). 3 submissions from 3 submitters: Benign (3). Last evaluated 2023-11-12.

Conditions:
Polyglucosan body myopathy type 1 (PGBM1). Also called: Polyglucosan body myopathy 1 with or without immunodeficiency; POLYGLUCOSAN BODY MYOPATHY WITHOUT IMMUNODEFICIENCY. Identifiers: Orphanet 329173, Orphanet 397937, MedGen C4014605, MONDO:0014389, OMIM 615895.

Allele frequency attached by ClinVar (database versions not stated): 1000 Genomes Project 30x 0.77639; 1000 Genomes Project 0.77676; gnomAD exomes 0.81121; gnomAD 0.81169 and 0.81688; TOPMed 0.81214; ESP Exome Variant Server 0.81562; ExAC 0.82063.
gnomAD v4.1: 559,764 of 689,624 alleles (81%); highest among the groups gnomAD compares: Admixed American, 87%; 228,451 homozygotes.

Submissions (3):

Unidad de Genómica Garrahan, Hospital de Pediatría Garrahan
Classification: Benign. Last evaluated: 2023-11-12. Review status: criteria provided, single submitter. Criteria: ACMG Guidelines, 2015. Collection method: clinical testing. Allele origin: germline. Affected: no. Observed: 92 variant alleles.
Comment: This variant is classified as Benign based on local population frequency. This variant was detected in 96% of patients studied by a panel of primary immunodeficiencies. Number of patients: 92. Only high quality variants are reported.

Genome-Nilou Lab
Classification: Benign for Polyglucosan body myopathy type 1. Last evaluated: 2021-07-14. Review status: criteria provided, single submitter. Criteria: ACMG Guidelines, 2015. Collection method: clinical testing. Allele origin: germline. Affected: no.

Breakthrough Genomics
Classification: Benign. Review status: criteria provided, single submitter. Criteria: ACMG Guidelines, 2015. Collection method: not provided. Allele origin: germline. Inheritance: Autosomal recessive inheritance. Affected: yes.

NM_031229.4(RBCK1):c.168-242C>T

Gene: RBCK1 (RANBP2-type and C3HC4-type zinc finger containing 1; plus strand). Cytogenetic location: 20p13.
Variant type: single nucleotide variant.
Coding change: c.168-242C>T on transcript NM_031229.4 (MANE Select); 242 bases into the intron before coding-DNA position 168, C replaced by T.
Molecular consequence: intron variant.
Genome position (GRCh38, 1-based): chr20:417,284, C>T. VCF-style: chr20-417284-C-T. GRCh37 (hg19) VCF-style: chr20-397928-C-T.
Other names: c.-182-242C>T (NM_001323956.2, NM_001323958.2); c.42-242C>T (NM_006462.6).
Identifiers: ClinVar variation 1185507 (VCV001185507.5), dbSNP rs6115906, ClinGen allele CA9722964.